The following is an entry in ClinVar:

ClinVar aggregate classification (germline): Uncertain significance (1 of 4 stars; one submission).

Submission:

GeneDx
Classification: Uncertain significance. Last evaluated: 2024-10-16. Review status: criteria provided, single submitter. Criteria: GeneDx Variant Classification Process June 2021. Collection method: clinical testing. Allele origin: germline. Affected: yes.
Comment: Not observed at significant frequency in large population cohorts (gnomAD); In silico analysis supports that this missense variant has a deleterious effect on protein structure/function; Has not been previously published as pathogenic or benign to our knowledge

NM_001694.4(ATP6V0C):c.371A>C (p.Gln124Pro)

Gene: ATP6V0C (ATPase H+ transporting V0 subunit c; plus strand). Cytogenetic location: 16p13.3.
Variant type: single nucleotide variant.
Coding change: c.371A>C on transcript NM_001694.4 (MANE Select); coding-DNA position 371, A replaced by C.
Protein change: p.Gln124Pro; replaces glutamine 124 with proline.
Molecular consequence: missense variant.
Genome position (GRCh38, 1-based): chr16:2,519,648, A>C. VCF-style: chr16-2519648-A-C. GRCh37 (hg19) VCF-style: chr16-2569649-A-C.
Other names: c.371A>C, p.Gln124Pro (NM_001198569.2); short protein forms Q124P.
Identifiers: ClinVar variation 3781231 (VCV003781231.1).